The following is an entry in ClinVar:

NM_014249.4(NR2E3):c.848C>T (p.Ala283Val)

Gene: NR2E3 (nuclear receptor subfamily 2 group E member 3; plus strand). Cytogenetic location: 15q23.
Variant type: single nucleotide variant.
Coding change: c.848C>T on transcript NM_014249.4 (MANE Select); coding-DNA position 848, C replaced by T.
Protein change: p.Ala283Val; replaces alanine 283 with valine.
Molecular consequence: missense variant.
Genome position (GRCh38, 1-based): chr15:71,813,489, C>T. VCF-style: chr15-71813489-C-T. GRCh37 (hg19) VCF-style: chr15-72105829-C-T.
Other names: c.848C>T, p.Ala283Val (NM_016346.4); short protein forms A283V.
Identifiers: ClinVar variation 3620547 (VCV003620547.2).

ClinVar aggregate classification (germline): Uncertain significance (1 of 4 stars; one submission).

gnomAD v4.1: 1 of 1,611,906 alleles (0.000062%); highest among the groups gnomAD compares: South Asian, 0.0011%; no homozygotes.

Submission:

Labcorp Genetics (formerly Invitae), Labcorp
Classification: Uncertain significance. Last evaluated: 2024-09-22. Review status: criteria provided, single submitter. Criteria: Invitae Variant Classification Sherloc (09022015). Collection method: clinical testing. Allele origin: germline.
Comment: This sequence change replaces alanine, which is neutral and non-polar, with valine, which is neutral and non-polar, at codon 283 of the NR2E3 protein (p.Ala283Val). This variant is present in population databases (no rsID available, gnomAD 0.003%). This variant has not been reported in the literature in individuals affected with NR2E3-related conditions. Invitae Evidence Modeling of protein sequence and biophysical properties (such as structural, functional, and spatial information, amino acid conservation, physicochemical variation, residue mobility, and thermodynamic stability) indicates that this missense variant is not expected to disrupt NR2E3 protein function with a negative predictive value of 80%. In summary, the available evidence is currently insufficient to determine the role of this variant in disease. Therefore, it has been classified as a Variant of Uncertain Significance.